The following is an entry in ClinVar:

NM_003628.6(PKP4):c.100G>A (p.Ala34Thr)

Gene: PKP4 (plakophilin 4; plus strand). Cytogenetic location: 2q24.1.
Variant type: single nucleotide variant.
Coding change: c.100G>A on transcript NM_003628.6 (MANE Select); coding-DNA position 100, G replaced by A.
Protein change: p.Ala34Thr; replaces alanine 34 with threonine.
Molecular consequence: missense variant. On other transcripts: 5 prime UTR variant (1).
Genome position (GRCh38, 1-based): chr2:158,533,284, G>A. VCF-style: chr2-158533284-G-A. GRCh37 (hg19) VCF-style: chr2-159389796-G-A.
Other names: c.100G>A, p.Ala34Thr (NM_001377223.1, NM_001377224.1, NM_001377225.1 and 9 more transcripts); c.-850G>A (NM_001304970.3); short protein forms A34T.
Identifiers: ClinVar variation 4568596 (VCV004568596.1).

ClinVar aggregate classification (germline): Uncertain significance (1 of 4 stars; one submission).

Submission:

Ambry Genetics
Classification: Uncertain significance. Last evaluated: 2025-10-14. Review status: criteria provided, single submitter. Criteria: Ambry Variant Classification Scheme 2023. Collection method: clinical testing. Allele origin: germline.
Comment: The p.A34T variant (also known as c.100G>A), located in coding exon 1 of the PKP4 gene, results from a G to A substitution at nucleotide position 100. The alanine at codon 34 is replaced by threonine, an amino acid with similar properties. This amino acid position is conserved. In addition, the in silico prediction for this alteration is inconclusive. Based on the available evidence, the clinical significance of this variant remains unclear.